The following is an entry in ClinVar:

ClinVar aggregate classification (germline): Likely benign (1 of 4 stars; one submission).

Conditions:
Retinitis pigmentosa (RP). Identifiers: Orphanet 791, MedGen C0035334, MeSH D012174, MONDO:0019200, OMIM 268000. Inheritance: Autosomal dominant, autosomal recessive and X linked inheritance.

Allele frequency attached by ClinVar (database versions not stated): TOPMed 0.00050; 1000 Genomes Project 0.00280; 1000 Genomes Project 30x 0.00328.

Submission:

Illumina Laboratory Services, Illumina
Classification: Likely benign for Retinitis pigmentosa. Last evaluated: 2018-01-13. Review status: criteria provided, single submitter. Criteria: ICSL Variant Classification Criteria 13 December 2019. Collection method: clinical testing. Allele origin: germline.
Comment: This variant was observed in the ICSL laboratory as part of a predisposition screen in an ostensibly healthy population. It had not been previously curated by ICSL or reported in the Human Gene Mutation Database (HGMD: prior to June 1st, 2018), and was therefore a candidate for classification through an automated scoring system. Utilizing variant allele frequency, disease prevalence and penetrance estimates, and inheritance mode, an automated score was calculated to assess if this variant is too frequent to cause the disease. Based on the score and internal cut-off values, a variant classified as likely benign is not then subjected to further curation. The score for this variant resulted in a classification of likely benign for this disease.

NM_000327.3(ROM1):c.-482G>C

Gene: ROM1 (retinal outer segment membrane protein 1; plus strand). Cytogenetic location: 11q12.3.
Variant type: single nucleotide variant.
Coding change: c.-482G>C on transcript NM_000327.3; 482 bases upstream of the start codon, G replaced by C.
Genome position (GRCh38, 1-based): chr11:62,612,800, G>C. VCF-style: chr11-62612800-G-C. GRCh37 (hg19) VCF-style: chr11-62380272-G-C.
Identifiers: ClinVar variation 305154 (VCV000305154.7), dbSNP rs572174792, ClinGen allele CA10635152.